The following is an entry in ClinVar:

NM_016123.4(IRAK4):c.784T>C (p.Tyr262His)

Gene: IRAK4 (interleukin 1 receptor associated kinase 4; plus strand). Cytogenetic location: 12q12.
Variant type: single nucleotide variant.
Coding change: c.784T>C on transcript NM_016123.4 (MANE Select); coding-DNA position 784, T replaced by C.
Protein change: p.Tyr262His; replaces tyrosine 262 with histidine.
Molecular consequence: missense variant.
Genome position (GRCh38, 1-based): chr12:43,777,697, T>C. VCF-style: chr12-43777697-T-C. GRCh37 (hg19) VCF-style: chr12-44171500-T-C.
Other names: c.784T>C, p.Tyr262His (NM_001114182.3, NM_001351345.2); c.412T>C, p.Tyr138His (NM_001145256.2, NM_001145257.2, NM_001145258.2 and 5 more transcripts); c.175T>C, p.Tyr59His (NM_001351343.2, NM_001351344.2); short protein forms Y138H, Y262H, Y59H.
Identifiers: ClinVar variation 1059038 (VCV001059038.9), dbSNP rs2137999821, ClinGen allele CA384474485.

ClinVar aggregate classification (germline): Uncertain significance (1 of 4 stars; one submission).

Conditions:
Immunodeficiency 67. Also called: Immunodeficiency due to interleukin-1 receptor-associated kinase-4 deficiency. Identifiers: Orphanet 70592, MedGen C1843256, MONDO:0011888, OMIM 607676.

Allele frequency attached by ClinVar (database versions not stated): gnomAD exomes below 0.00001.
gnomAD v4.1: 2 of 1,613,426 alleles (0.00012%); highest among the groups gnomAD compares: Non-Finnish European, 0.00017%; no homozygotes.

Submission:

Labcorp Genetics (formerly Invitae), Labcorp
Classification: Uncertain significance for Immunodeficiency 67. Last evaluated: 2021-07-22. Review status: criteria provided, single submitter. Criteria: Invitae Variant Classification Sherloc (09022015). Collection method: clinical testing. Allele origin: germline.
Comment: In summary, the available evidence is currently insufficient to determine the role of this variant in disease. Therefore, it has been classified as a Variant of Uncertain Significance. Algorithms developed to predict the effect of missense changes on protein structure and function (SIFT, PolyPhen-2, Align-GVGD) all suggest that this variant is likely to be disruptive, but these predictions have not been confirmed by published functional studies and their clinical significance is uncertain. This variant has not been reported in the literature in individuals with IRAK4-related conditions. This variant is not present in population databases (ExAC no frequency). This sequence change replaces tyrosine with histidine at codon 262 of the IRAK4 protein (p.Tyr262His). The tyrosine residue is highly conserved and there is a moderate physicochemical difference between tyrosine and histidine.